The following is an entry in ClinVar:

NM_001267550.2(TTN):c.25283G>T (p.Gly8428Val)

Gene: TTN (titin; minus strand). Cytogenetic location: 2q31.2.
Variant type: single nucleotide variant.
Coding change: c.25283G>T on transcript NM_001267550.2 (MANE Select); coding-DNA position 25283, G replaced by T.
Protein change: p.Gly8428Val; replaces glycine 8428 with valine.
Molecular consequence: missense variant. On other transcripts: intron variant (3).
Genome position (GRCh38, 1-based): chr2:178,717,591, C>A on the plus strand (G>T on the coding strand, the complement: TTN is on the minus strand). VCF-style: chr2-178717591-C-A. GRCh37 (hg19) VCF-style: chr2-179582318-C-A.
Other names: c.24332G>T, p.Gly8111Val (NM_001256850.1); c.21551G>T, p.Gly7184Val (NM_133378.4); c.13282+20491G>T (NM_003319.4); c.13858+20491G>T (NM_133437.4); c.13657+20491G>T (NM_133432.3); short protein forms G7184V, G8111V, G8428V.
Identifiers: ClinVar variation 1306634 (VCV001306634.2), dbSNP rs2154299083, ClinGen allele CA349487023.

ClinVar aggregate classification (germline): Uncertain significance (1 of 4 stars; one submission).

Submission:

GeneDx
Classification: Uncertain significance. Last evaluated: 2020-06-25. Review status: criteria provided, single submitter. Criteria: GeneDx Variant Classification Process June 2021. Collection method: clinical testing. Allele origin: germline. Affected: yes.
Comment: Has not been previously published as pathogenic or benign to our knowledge; Missense variant in a gene in which most reported pathogenic variants are truncating/loss-of-function; In silico analysis, which includes splice predictors and evolutionary conservation, supports that this variant does not alter protein structure/function; Not located in the A-band nor the M-line region of titin, where the majority of pathogenic truncating variants have been reported; Not observed in large population cohorts (Lek et al., 2016)